The following is an entry in ClinVar:

ClinVar aggregate classification (germline): Uncertain significance (1 of 4 stars; one submission).

Allele frequency attached by ClinVar (database versions not stated): gnomAD exomes below 0.00001; TOPMed below 0.00001.

Submission:

Ambry Genetics
Classification: Uncertain significance. Last evaluated: 2023-11-28. Review status: criteria provided, single submitter. Criteria: Ambry Variant Classification Scheme 2023. Collection method: clinical testing. Allele origin: germline.
Comment: The p.I189M variant (also known as c.567T>G), located in coding exon 4 of the IDH1 gene, results from a T to G substitution at nucleotide position 567. The isoleucine at codon 189 is replaced by methionine, an amino acid with highly similar properties. This amino acid position is conserved. In addition, the in silico prediction for this alteration is inconclusive. Since supporting evidence is limited at this time, the clinical significance of this alteration remains unclear.

NM_005896.4(IDH1):c.567T>G (p.Ile189Met)

Gene: IDH1 (isocitrate dehydrogenase (NADP(+)) 1; minus strand). Cytogenetic location: 2q34.
Variant type: single nucleotide variant.
Coding change: c.567T>G on transcript NM_005896.4 (MANE Select); coding-DNA position 567, T replaced by G.
Protein change: p.Ile189Met; replaces isoleucine 189 with methionine.
Molecular consequence: missense variant.
Genome position (GRCh38, 1-based): chr2:208,243,558, A>C on the plus strand (T>G on the coding strand, the complement: IDH1 is on the minus strand). VCF-style: chr2-208243558-A-C. GRCh37 (hg19) VCF-style: chr2-209108282-A-C.
Other names: c.567T>G, p.Ile189Met (NM_001282386.1, NM_001282387.1); short protein forms I189M.
Identifiers: ClinVar variation 1749029 (VCV001749029.2), dbSNP rs1237412838, ClinGen allele CA350099556.